The following is an entry in ClinVar:

ClinVar aggregate classification (germline): Pathogenic (1 of 4 stars; one submission).

Conditions:
Isovaleryl-CoA dehydrogenase deficiency (IVA). Also called: ISOVALERIC ACID CoA DEHYDROGENASE DEFICIENCY; IVD DEFICIENCY; Classic Isovaleric Acidemia; Isovaleric acidemia. Identifiers: Orphanet 33, MedGen C0268575, MONDO:0009475, OMIM 243500.

Submission:

Labcorp Genetics (formerly Invitae), Labcorp
Classification: Pathogenic for Isovaleryl-CoA dehydrogenase deficiency. Last evaluated: 2021-08-12. Review status: criteria provided, single submitter. Criteria: Invitae Variant Classification Sherloc (09022015). Collection method: clinical testing. Allele origin: germline.
Comment: This variant is a gross deletion of the genomic region encompassing exon(s) 2-12 of the IVD gene, which includes the termination codon. This deletion extends beyond the assayed region for this gene and therefore may encompass additional genes. While this deletion is not anticipated to lead to nonsense mediated decay, it is expected to alter mRNA translation or result in a truncated protein product. A similar copy number variant has been observed in individual(s) with isovaleric acidemia (PMID: 31707166). The region of the IVD gene that includes exon(s) 7-12 has been determined to be clinically significant (PMID: 31707166; Invitae). Therefore, deletions that encompass that region are likely to be disease-causing. For these reasons, this variant has been classified as Pathogenic.

Literature cited by the submitters: PubMed 31707166.

NC_000015.9:g.(?_40699827)_(40710472_?)del

Gene: IVD (isovaleryl-CoA dehydrogenase; plus strand). Cytogenetic location: 15q15.1.
Variant type: Deletion.
Identifiers: ClinVar variation 1072234 (VCV001072234.6).